The following is an entry in ClinVar:

ClinVar aggregate classification (germline): Likely benign (1 of 4 stars; one submission).

Conditions:
Neuropathy, hereditary sensory and autonomic, type 2B (HSAN2B). Also called: RETREG1-Related HSAN2 (HSAN2B). Identifiers: Orphanet 970, MedGen C2751092, MONDO:0013142, OMIM 613115.

Allele frequency attached by ClinVar (database versions not stated): gnomAD 0.00002 and 0.00008; TOPMed 0.00016; 1000 Genomes Project 30x 0.00047; 1000 Genomes Project 0.00060.
gnomAD v4.1: 12 of 152,706 alleles (0.0079%); highest among the groups gnomAD compares: East Asian, 0.23%; no homozygotes.

Submission:

Illumina Laboratory Services, Illumina
Classification: Likely benign for Neuropathy, hereditary sensory and autonomic, type 2B. Last evaluated: 2018-01-13. Review status: criteria provided, single submitter. Criteria: ICSL Variant Classification Criteria 13 December 2019. Collection method: clinical testing. Allele origin: germline.
Comment: This variant was observed in the ICSL laboratory as part of a predisposition screen in an ostensibly healthy population. It had not been previously curated by ICSL or reported in the Human Gene Mutation Database (HGMD: prior to June 1st, 2018), and was therefore a candidate for classification through an automated scoring system. Utilizing variant allele frequency, disease prevalence and penetrance estimates, and inheritance mode, an automated score was calculated to assess if this variant is too frequent to cause the disease. Based on the score and internal cut-off values, a variant classified as likely benign is not then subjected to further curation. The score for this variant resulted in a classification of likely benign for this disease.

NM_001034850.3(RETREG1):c.*1170A>G

Gene: RETREG1 (reticulophagy regulator 1; minus strand). Cytogenetic location: 5p15.1.
Variant type: single nucleotide variant.
Coding change: c.*1170A>G on transcript NM_001034850.3 (MANE Select); 1170 bases downstream of the stop codon, A replaced by G.
Molecular consequence: 3 prime UTR variant.
Genome position (GRCh38, 1-based): chr5:16,473,571, T>C on the plus strand (A>G on the coding strand, the complement: RETREG1 is on the minus strand). VCF-style: chr5-16473571-T-C. GRCh37 (hg19) VCF-style: chr5-16473680-T-C.
Other names: c.*1170A>G (NM_019000.5).
Identifiers: ClinVar variation 352673 (VCV000352673.5), dbSNP rs184543943, ClinGen allele CA10624073.